The following is an entry in ClinVar:

ClinVar aggregate classification (germline): Uncertain significance (1 of 4 stars; one submission).

Submission:

Labcorp Genetics (formerly Invitae), Labcorp
Classification: Uncertain significance. Last evaluated: 2022-07-19. Review status: criteria provided, single submitter. Criteria: Invitae Variant Classification Sherloc (09022015). Collection method: clinical testing. Allele origin: germline.
Comment: Algorithms developed to predict the effect of missense changes on protein structure and function are either unavailable or do not agree on the potential impact of this missense change (SIFT: "Not Available"; PolyPhen-2: "Benign"; Align-GVGD: "Not Available"). In summary, the available evidence is currently insufficient to determine the role of this variant in disease. Therefore, it has been classified as a Variant of Uncertain Significance. This variant has not been reported in the literature in individuals affected with IREB2-related conditions. This variant is not present in population databases (gnomAD no frequency). This sequence change replaces isoleucine, which is neutral and non-polar, with valine, which is neutral and non-polar, at codon 14 of the IREB2 protein (p.Ile14Val).

NM_004136.4(IREB2):c.40A>G (p.Ile14Val)

Gene: IREB2 (iron responsive element binding protein 2; plus strand). Cytogenetic location: 15q25.1.
Variant type: single nucleotide variant.
Coding change: c.40A>G on transcript NM_004136.4 (MANE Select); coding-DNA position 40, A replaced by G.
Protein change: p.Ile14Val; replaces isoleucine 14 with valine.
Molecular consequence: missense variant. On other transcripts: 5 prime UTR variant (3).
Genome position (GRCh38, 1-based): chr15:78,439,815, A>G. VCF-style: chr15-78439815-A-G. GRCh37 (hg19) VCF-style: chr15-78732157-A-G.
Other names: c.-641A>G (NM_001320941.2); c.-132A>G (NM_001320942.2, NM_001354994.2); c.40A>G, p.Ile14Val (NM_001320943.2); short protein forms I14V.
Identifiers: ClinVar variation 2018148 (VCV002018148.4), dbSNP rs2542525227, ClinGen allele CA393563000.